The following is an entry in ClinVar:

ClinVar aggregate classification (germline): Uncertain significance (1 of 4 stars; one submission).

Submission:

Labcorp Genetics (formerly Invitae), Labcorp
Classification: Uncertain significance. Last evaluated: 2026-01-12. Review status: criteria provided, single submitter. Criteria: Invitae Variant Classification Sherloc (09022015). Collection method: clinical testing. Allele origin: germline.
Comment: This sequence change replaces tryptophan, which is neutral and slightly polar, with leucine, which is neutral and non-polar, at codon 966 of the PRPF8 protein (p.Trp966Leu). This variant is not present in population databases (gnomAD no frequency). This variant has not been reported in the literature in individuals affected with PRPF8-related conditions. Invitae Evidence Modeling of protein sequence and biophysical properties (such as structural, functional, and spatial information, amino acid conservation, physicochemical variation, residue mobility, and thermodynamic stability) indicates that this missense variant is expected to disrupt PRPF8 protein function with a positive predictive value of 80%. In summary, the available evidence is currently insufficient to determine the role of this variant in disease. Therefore, it has been classified as a Variant of Uncertain Significance.

NM_006445.4(PRPF8):c.2897G>T (p.Trp966Leu)

Gene: PRPF8 (pre-mRNA processing factor 8; minus strand). Cytogenetic location: 17p13.3.
Variant type: single nucleotide variant.
Coding change: c.2897G>T on transcript NM_006445.4 (MANE Select); coding-DNA position 2897, G replaced by T.
Protein change: p.Trp966Leu; replaces tryptophan 966 with leucine.
Molecular consequence: missense variant.
Genome position (GRCh38, 1-based): chr17:1,675,315, C>A on the plus strand (G>T on the coding strand, the complement: PRPF8 is on the minus strand). VCF-style: chr17-1675315-C-A. GRCh37 (hg19) VCF-style: chr17-1578609-C-A.
Other names: short protein forms W966L.
Identifiers: ClinVar variation 4745201 (VCV004745201.1).